The following is an entry in ClinVar:

NM_207122.2(EXT2):c.1698C>A (p.Tyr566Ter)

Gene: EXT2 (exostosin glycosyltransferase 2; plus strand). Cytogenetic location: 11p11.2.
Variant type: single nucleotide variant.
Coding change: c.1698C>A on transcript NM_207122.2 (MANE Select); coding-DNA position 1698, C replaced by A.
Protein change: p.Tyr566Ter; replaces tyrosine 566 with a stop codon.
Molecular consequence: nonsense.
Genome position (GRCh38, 1-based): chr11:44,232,388, C>A. VCF-style: chr11-44232388-C-A. GRCh37 (hg19) VCF-style: chr11-44253938-C-A.
Other names: c.1797C>A, p.Tyr599Ter (NM_000401.3); c.1728C>A, p.Tyr576Ter (NM_001178083.3); c.1698C>A, p.Tyr566Ter (NM_001389628.1, NM_001389630.1); short protein forms Y576*, Y566*, Y599*.
Identifiers: ClinVar variation 2031255 (VCV002031255.4), dbSNP rs2135259503, ClinGen allele CA380182876.

ClinVar aggregate classification (germline): Pathogenic (1 of 4 stars; one submission).

Conditions:
Exostoses, multiple, type 2 (EXT2). Also called: Hereditary Multiple Osteochondromatosis, Type II; EXOSTOSES, MULTIPLE, TYPE II. Identifiers: Orphanet 321, MedGen C1851413, MONDO:0007586, OMIM 133701.

Submission:

Labcorp Genetics (formerly Invitae), Labcorp
Classification: Pathogenic for Exostoses, multiple, type 2. Last evaluated: 2022-09-19. Review status: criteria provided, single submitter. Criteria: Invitae Variant Classification Sherloc (09022015). Collection method: clinical testing. Allele origin: germline.
Comment: This variant has not been reported in the literature in individuals affected with EXT2-related conditions. This sequence change creates a premature translational stop signal (p.Tyr566*) in the EXT2 gene. It is expected to result in an absent or disrupted protein product. Loss-of-function variants in EXT2 are known to be pathogenic (PMID: 10679937, 19810120). This variant is not present in population databases (gnomAD no frequency). For these reasons, this variant has been classified as Pathogenic.

Literature cited by the submitters: PubMed 10679937; PubMed 19810120.